The following is an entry in ClinVar:

ClinVar aggregate classification (germline): Uncertain significance (1 of 4 stars; one submission).

Conditions:
Catecholaminergic polymorphic ventricular tachycardia (CVPT). Also called: Catecholamine-induced polymorphic ventricular tachycardia. Identifiers: Orphanet 3286, MedGen C5574922, MONDO:0017990.

Submission:

All of Us Research Program, National Institutes of Health
Classification: Uncertain significance for Catecholaminergic polymorphic ventricular tachycardia. Last evaluated: 2024-03-05. Review status: criteria provided, single submitter. Criteria: ACMG Guidelines, 2015. Collection method: clinical testing. Allele origin: germline. Inheritance: Autosomal dominant inheritance. Observed: 1 variant allele, 1 heterozygote.
Comment: This study involves interpretation of variants in research participants for the purpose of population health screening. Participant phenotype was not available at the time of variant classification. Additional details can be found in publication PMID: 35346344, PMCID: PMC8962531

NM_001035.3(RYR2):c.152C>A (p.Ser51Tyr)

Gene: RYR2 (ryanodine receptor 2; plus strand). Cytogenetic location: 1q43.
Variant type: single nucleotide variant.
Coding change: c.152C>A on transcript NM_001035.3 (MANE Select); coding-DNA position 152, C replaced by A.
Protein change: p.Ser51Tyr; replaces serine 51 with tyrosine.
Molecular consequence: missense variant.
Genome position (GRCh38, 1-based): chr1:237,270,600, C>A. VCF-style: chr1-237270600-C-A. GRCh37 (hg19) VCF-style: chr1-237433900-C-A.
Other names: short protein forms S51Y.
Identifiers: ClinVar variation 3385646 (VCV003385646.1).